The following is an entry in ClinVar:

NM_138694.4(PKHD1):c.5069C>T (p.Ser1690Leu)

Genes: PKHD1 (PKHD1 ciliary IPT domain containing fibrocystin/polyductin; minus strand), LOC126859690 (MED14-independent group 3 enhancer GRCh37_chr6:51888848-51890047; plus strand). Cytogenetic location: 6p12.2.
Variant type: single nucleotide variant.
Coding change: c.5069C>T on transcript NM_138694.4 (MANE Select); coding-DNA position 5069, C replaced by T.
Protein change: p.Ser1690Leu; replaces serine 1690 with leucine.
Molecular consequence: missense variant.
Genome position (GRCh38, 1-based): chr6:52,024,741, G>A on the plus strand (C>T on the coding strand, the complement: PKHD1 is on the minus strand). VCF-style: chr6-52024741-G-A. GRCh37 (hg19) VCF-style: chr6-51889539-G-A.
Other names: c.5069C>T, p.Ser1690Leu (NM_170724.3); short protein forms S1690L.
Identifiers: ClinVar variation 1036106 (VCV001036106.9), dbSNP rs1801882752, ClinGen allele CA364428817.

ClinVar aggregate classification (germline): Uncertain significance (1 of 4 stars; one submission).

Conditions:
Autosomal recessive polycystic kidney disease (ARPKD). Also called: AR polycystic kidney disease. Identifiers: Orphanet 731, Orphanet 8378, MedGen C0085548, MeSH D017044, MONDO:0009889.

Allele frequency attached by ClinVar (database versions not stated): gnomAD 0.00001.
gnomAD v4.1: 1 of 1,614,076 alleles (0.000062%); highest among the groups gnomAD compares: African/African-American, 0.0013%; no homozygotes.

Submission:

Labcorp Genetics (formerly Invitae), Labcorp
Classification: Uncertain significance for Autosomal recessive polycystic kidney disease. Last evaluated: 2022-08-09. Review status: criteria provided, single submitter. Criteria: Invitae Variant Classification Sherloc (09022015). Collection method: clinical testing. Allele origin: germline.
Comment: In summary, the available evidence is currently insufficient to determine the role of this variant in disease. Therefore, it has been classified as a Variant of Uncertain Significance. Advanced modeling of protein sequence and biophysical properties (such as structural, functional, and spatial information, amino acid conservation, physicochemical variation, residue mobility, and thermodynamic stability) performed at Invitae indicates that this missense variant is not expected to disrupt PKHD1 protein function. ClinVar contains an entry for this variant (Variation ID: 1036106). This variant has not been reported in the literature in individuals affected with PKHD1-related conditions. This variant is not present in population databases (gnomAD no frequency). This sequence change replaces serine, which is neutral and polar, with leucine, which is neutral and non-polar, at codon 1690 of the PKHD1 protein (p.Ser1690Leu).